The following is an entry in ClinVar:

ClinVar aggregate classification (germline): Pathogenic/Likely pathogenic. Review status: criteria provided, multiple submitters, no conflicts (2 of 4 stars). 3 submissions from 3 submitters: Pathogenic (1); Likely pathogenic (2). Last evaluated 2024-07-01.

Conditions:
Abnormality of the nervous system. Also called: Congenital nervous system disorder. Identifiers: MedGen C0497552, MONDO:0002320, HP:0000707.
Intellectual developmental disorder, X-linked, syndromic, Billuart type. Also called: X-linked intellectual disability-cerebellar hypoplasia syndrome; MENTAL RETARDATION, X-LINKED 60. Identifiers: Orphanet 137831, MedGen C1845366, MONDO:0010337, OMIM 300486.

Submissions (3):

CeGaT Center for Human Genetics Tuebingen
Classification: Pathogenic. Last evaluated: 2024-07-01. Review status: criteria provided, single submitter. Criteria: CeGaT Center For Human Genetics Tuebingen Variant Classification Criteria Version 2. Collection method: clinical testing. Allele origin: germline. Affected: yes. Observed: 1 variant allele.
Comment: OPHN1: PVS1, PS2, PM2

Fulgent Genetics
Classification: Likely pathogenic for Intellectual developmental disorder, X-linked, syndromic, Billuart type. Last evaluated: 2024-04-28. Review status: criteria provided, single submitter. Criteria: ACMG Guidelines, 2015. Collection method: clinical testing. Allele origin: germline.

Kariminejad - Najmabadi Pathology & Genetics Center
Classification: Likely pathogenic for Abnormality of the nervous system. Last evaluated: 2021-07-10. Review status: criteria provided, single submitter. Criteria: ACMG Guidelines, 2015. Collection method: clinical testing. Allele origin: germline. Affected: yes.

NM_002547.3(OPHN1):c.468_471del (p.Lys156fs)

Gene: OPHN1 (oligophrenin 1; minus strand). Cytogenetic location: Xq12.
Variant type: Microsatellite.
Coding change: c.468_471del on transcript NM_002547.3 (MANE Select); coding-DNA positions 468 to 471, 4 bases deleted (AGAA; older notation c.468_471delAGAA).
Protein change: p.Lys156fs; shifts the reading frame from lysine 156.
Molecular consequence: frameshift variant.
Genome position (GRCh38, 1-based): chrX:68,234,502-68,234,505, TTCT deleted on the plus strand (AGAA on the coding strand, the reverse complement: OPHN1 is on the minus strand); deleting any 4 consecutive bases within chrX:68,234,502-68,234,511 gives the same sequence; the c. name uses the placement nearest the transcript's 3' end. VCF-style (leftmost placement, unchanged base first): chrX-68234501-ATTCT-A. GRCh37 (hg19) VCF-style: chrX-67454343-ATTCT-A.
Other names: c.468_471delAGAA (NM_002547.3); short protein forms K156fs.
Identifiers: ClinVar variation 1180786 (VCV001180786.19), dbSNP rs2147523877, ClinGen allele CA2580612450.
Genomic context (GRCh38, chrX:68,234,501, plus strand): 5'-AGGCATAGCTAGCAATGGAAGGCAGGGGCAGGCTTTGTGAACATACCTCTTGTAACTGAG[ATTCT>A]TTCTTTTTTGAAGACAGGTGTAAGTGCCGATCCAGTAAAGAATAAAACCTCTCACCATCC-3'